The following is an entry in ClinVar:

NM_006031.6(PCNT):c.8606C>T (p.Ala2869Val)

Gene: PCNT (pericentrin; plus strand). Cytogenetic location: 21q22.3.
Variant type: single nucleotide variant.
Coding change: c.8606C>T on transcript NM_006031.6 (MANE Select); coding-DNA position 8606, C replaced by T.
Protein change: p.Ala2869Val; replaces alanine 2869 with valine.
Molecular consequence: missense variant. On other transcripts: intron variant (1).
Genome position (GRCh38, 1-based): chr21:46,432,070, C>T. VCF-style: chr21-46432070-C-T. GRCh37 (hg19) VCF-style: chr21-47851984-C-T.
Other names: c.8160+92C>T (NM_001315529.2); short protein forms A2869V.
Identifiers: ClinVar variation 3210385 (VCV003210385.3), dbSNP rs199529111, ClinGen allele CA10081005.

ClinVar aggregate classification (germline): Uncertain significance. Review status: criteria provided, multiple submitters, no conflicts (2 of 4 stars). 2 submissions from 2 submitters: Uncertain significance (2). Last evaluated 2025-02-27.

Conditions:
PCNT-related disorder. Also called: PCNT-related condition.
Inborn genetic diseases. Identifiers: MedGen C0950123, MeSH D030342.

Allele frequency attached by ClinVar (database versions not stated): gnomAD 0.00001; ExAC 0.00002; TOPMed 0.00002; gnomAD exomes 0.00005; 1000 Genomes Project 30x 0.00016; 1000 Genomes Project 0.00020.

Submissions (2):

Ambry Genetics
Classification: Uncertain significance for Inborn genetic diseases. Last evaluated: 2025-02-27. Review status: criteria provided, single submitter. Criteria: Ambry Variant Classification Scheme 2023. Collection method: clinical testing. Allele origin: germline.

PreventionGenetics, part of Exact Sciences
Classification: Uncertain significance for PCNT-related condition. Last evaluated: 2025-02-06. Review status: criteria provided, single submitter. Criteria: ACMG Guidelines, 2015. Collection method: clinical testing. Allele origin: germline.
Comment: The PCNT c.8606C>T variant is predicted to result in the amino acid substitution p.Ala2869Val. To our knowledge, this variant has not been reported in the literature. This variant is reported in 0.0062% of alleles in individuals of African descent in gnomAD. At this time, the clinical significance of this variant is uncertain due to the absence of conclusive functional and genetic evidence.